The following is an entry in ClinVar:

ClinVar aggregate classification (germline): Likely pathogenic (1 of 4 stars; one submission).

Conditions:
Peeling skin syndrome 5 (PSS5). Identifiers: MedGen C4310710, MONDO:0014923, OMIM 617115.

gnomAD v4.1: 15 of 1,601,706 alleles (0.00094%); highest among the groups gnomAD compares: South Asian, 0.016%; no homozygotes.

Submission:

First Genomix Gene Laboratory, Genetic Diagnostics Department
Classification: Likely pathogenic for Peeling skin syndrome 5. Last evaluated: 2025-09-17. Review status: criteria provided, single submitter. Criteria: ACMG Guidelines, 2015. Collection method: clinical testing. Allele origin: germline. Inheritance: Autosomal recessive inheritance. Affected: no. Observed: 1 variant allele.

NM_002640.4(SERPINB8):c.721-2A>G

Gene: SERPINB8 (serpin family B member 8; plus strand). Cytogenetic location: 18q22.1.
Variant type: single nucleotide variant.
Coding change: c.721-2A>G on transcript NM_002640.4 (MANE Select); the canonical splice acceptor site of the intron before coding-DNA position 721, A replaced by G.
Molecular consequence: splice acceptor variant. On other transcripts: intron variant (3).
Genome position (GRCh38, 1-based): chr18:63,986,872, A>G. VCF-style: chr18-63986872-A-G. GRCh37 (hg19) VCF-style: chr18-61654106-A-G.
Other names: c.720+1627A>G (NM_001348367.2); c.721-2A>G (NM_001366198.1, NM_198833.2); c.721-91A>G (NM_001348369.2, NM_001348368.2); c.175-2A>G (NM_001276490.2); c.181-2A>G (NM_001348370.2).
Identifiers: ClinVar variation 4850398 (VCV004850398.1).